The following is an entry in ClinVar:

ClinVar aggregate classification (germline): Conflicting classifications of pathogenicity. Review status: criteria provided, conflicting classifications (1 of 4 stars). 4 submissions from 4 submitters: Uncertain significance (1); Likely benign (3). Last evaluated 2026-06-01.

Conditions:
Myoglobinuria, acute recurrent, autosomal recessive. Also called: MYOGLOBINURIA, FAMILIAL PAROXYSMAL PARALYTIC; RHABDOMYOLYSIS, ACUTE RECURRENT; Myoglobinuria, recurrent, autosomal recessive. Identifiers: Orphanet 99845, MedGen C1849386, MONDO:0009992, OMIM 268200.

Allele frequency attached by ClinVar (database versions not stated): TOPMed 0.00022; ESP Exome Variant Server 0.00031; gnomAD 0.00045.
gnomAD v4.1: 169 of 1,614,080 alleles (0.01%); highest among the groups gnomAD compares: African/African-American, 0.12%; 3 homozygotes.

Submissions (4):

CeGaT Center for Human Genetics Tuebingen
Classification: Likely benign. Last evaluated: 2026-06-01. Review status: criteria provided, single submitter. Criteria: CeGaT Center For Human Genetics Tuebingen Variant Classification Criteria Version 2. Collection method: clinical testing. Allele origin: germline. Affected: yes. Observed: 1 variant allele.
Comment: LPIN1: BP4, BP7

Labcorp Genetics (formerly Invitae), Labcorp
Classification: Likely benign. Last evaluated: 2025-09-23. Review status: criteria provided, single submitter. Criteria: Invitae Variant Classification Sherloc (09022015). Collection method: clinical testing. Allele origin: germline.

Blueprint Genetics
Classification: Likely benign. Last evaluated: 2024-11-11. Review status: criteria provided, single submitter. Criteria: ACMG Guidelines, 2015. Collection method: clinical testing. Allele origin: germline.

Illumina Laboratory Services, Illumina
Classification: Uncertain significance for Myoglobinuria, acute recurrent, autosomal recessive. Last evaluated: 2018-01-13. Review status: criteria provided, single submitter. Criteria: ICSL Variant Classification Criteria 13 December 2019. Collection method: clinical testing. Allele origin: germline.

NM_001349206.2(LPIN1):c.2067G>T (p.Thr689=)

Gene: LPIN1 (lipin 1; plus strand). Cytogenetic location: 2p25.1.
Variant type: single nucleotide variant.
Coding change: c.2067G>T on transcript NM_001349206.2 (MANE Select); coding-DNA position 2067, G replaced by T.
Protein change: p.Thr689=; no amino-acid change (threonine 689 retained).
Molecular consequence: synonymous variant. On other transcripts: non-coding transcript variant (1).
Genome position (GRCh38, 1-based): chr2:11,804,476, G>T. VCF-style: chr2-11804476-G-T. GRCh37 (hg19) VCF-style: chr2-11944602-G-T.
Other names: c.1977G>T, p.Thr659= (NM_001261427.3); c.2214G>T, p.Thr738= (NM_001261428.3); c.1959G>T, p.Thr653= (NM_001349199.2, NM_145693.4); c.2037G>T, p.Thr679= (NM_001349200.2, NM_001349201.2); c.2064G>T, p.Thr688= (NM_001349202.2, NM_001349203.2); c.2067G>T, p.Thr689= (NM_001349204.2, NM_001349205.2); c.2157G>T, p.Thr719= (NM_001349207.2); c.2106G>T, p.Thr702= (NM_001349208.2).
Identifiers: ClinVar variation 785777 (VCV000785777.15), dbSNP rs369684215, ClinGen allele CA1533984.